The following is an entry in ClinVar:

ClinVar aggregate classification (germline): Likely pathogenic (1 of 4 stars; one submission).

Conditions:
Congenital disorder of deglycosylation 2 (CDDG2). Identifiers: MedGen C5676931, MONDO:0030770, OMIM 619775.

gnomAD v4.1: 21 of 1,145,998 alleles (0.0018%); highest among the groups gnomAD compares: South Asian, 0.0075%; no homozygotes.

Submission:

Centre for Medical Genetics,  Mumbai
Classification: Likely pathogenic for Congenital disorder of deglycosylation 2. Last evaluated: 2026-02-24. Review status: criteria provided, single submitter. Criteria: ACMG Guidelines, 2015. Collection method: provider interpretation. Allele origin: germline. Inheritance: Autosomal recessive inheritance. Observed: 1 variant allele, 1 homozygote.
Comment: The variant satisfies PM2 criteria; Extremely low frequency in gnomAD population databases. The variant satisfies BP4 criteria; For a missense or a splice region variant, computational prediction tools unanimously support a benign effect on the gene. The variant is observed in 3/30,700 (0.0098%) alleles from individuals of South Asian background in gnomAD All. Hence, the variant should be considered as a likely pathogenic variant for Congenital disorder of deglycosylation.

Literature cited by the submitters: PubMed 35045343.

NM_006715.4(MAN2C1):c.2221G>A (p.Val741Ile)

Gene: MAN2C1 (mannosidase alpha class 2C member 1; minus strand). Cytogenetic location: 15q24.2.
Variant type: single nucleotide variant.
Coding change: c.2221G>A on transcript NM_006715.4 (MANE Select); coding-DNA position 2221, G replaced by A.
Protein change: p.Val741Ile; replaces valine 741 with isoleucine.
Molecular consequence: missense variant.
Genome position (GRCh38, 1-based): chr15:75,358,729, C>T on the plus strand (G>A on the coding strand, the complement: MAN2C1 is on the minus strand). VCF-style: chr15-75358729-C-T. GRCh37 (hg19) VCF-style: chr15-75651070-C-T.
Other names: c.2272G>A, p.Val758Ile (NM_001256494.2); c.2221G>A, p.Val741Ile (NM_001256495.2); c.1924G>A, p.Val642Ile (NM_001256496.2); short protein forms V642I, V741I, V758I.
Identifiers: ClinVar variation 4820271 (VCV004820271.2).